The following is an entry in ClinVar:

NM_052947.4(ALPK2):c.629A>C (p.Glu210Ala)

Gene: ALPK2 (alpha kinase 2; minus strand). Cytogenetic location: 18q21.31.
Variant type: single nucleotide variant.
Coding change: c.629A>C on transcript NM_052947.4 (MANE Select); coding-DNA position 629, A replaced by C.
Protein change: p.Glu210Ala; replaces glutamic acid 210 with alanine.
Molecular consequence: missense variant.
Genome position (GRCh38, 1-based): chr18:58,580,147, T>G on the plus strand (A>C on the coding strand, the complement: ALPK2 is on the minus strand). VCF-style: chr18-58580147-T-G. GRCh37 (hg19) VCF-style: chr18-56247379-T-G.
Other names: short protein forms E210A.
Identifiers: ClinVar variation 3532015 (VCV003532015.1).

ClinVar aggregate classification (germline): Uncertain significance (1 of 4 stars; one submission).

Submission:

Ambry Genetics
Classification: Uncertain significance. Last evaluated: 2024-11-11. Review status: criteria provided, single submitter. Criteria: Ambry Variant Classification Scheme 2023. Collection method: clinical testing. Allele origin: germline.
Comment: The p.E210A variant (also known as c.629A>C), located in coding exon 3 of the ALPK2 gene, results from an A to C substitution at nucleotide position 629. The glutamic acid at codon 210 is replaced by alanine, an amino acid with dissimilar properties. This amino acid position is conserved. In addition, this alteration is predicted to be tolerated by in silico analysis. Based on the available evidence, the clinical significance of this variant remains unclear.